The following is an entry in ClinVar:

ClinVar aggregate classification (germline): Likely benign. Review status: criteria provided, multiple submitters, no conflicts (2 of 4 stars). 4 submissions from 4 submitters: Likely benign (3). 1 of the submissions does not count toward it. Last evaluated 2024-04-04.

Conditions:
GTF2IRD1-related disorder. Also called: GTF2IRD1-related condition.

Allele frequency attached by ClinVar (database versions not stated): ExAC 0.00014; gnomAD 0.00020 and 0.00024; gnomAD exomes 0.00021; ESP Exome Variant Server 0.00023; TOPMed 0.00030.
gnomAD v4.1: 275 of 1,588,990 alleles (0.017%); highest among the groups gnomAD compares: Admixed American, 0.073%; 1 homozygote.

Submissions (4):

Blueprint Genetics
Classification: Likely benign. Last evaluated: 2024-04-04. Review status: criteria provided, single submitter. Criteria: ACMG Guidelines, 2015. Collection method: clinical testing. Allele origin: germline.

CeGaT Center for Human Genetics Tuebingen
Classification: Likely benign. Last evaluated: 2023-03-01. Review status: criteria provided, single submitter. Criteria: CeGaT Center For Human Genetics Tuebingen Variant Classification Criteria Version 2. Collection method: clinical testing. Allele origin: germline. Affected: yes. Observed: 1 variant allele.
Comment: GTF2IRD1: BP4, BP7

Labcorp Genetics (formerly Invitae), Labcorp
Classification: Likely benign. Last evaluated: 2019-12-31. Review status: criteria provided, single submitter. Criteria: Invitae Variant Classification Sherloc (09022015). Collection method: clinical testing. Allele origin: germline.

PreventionGenetics, part of Exact Sciences
Classification: Likely benign for GTF2IRD1-related condition. Last evaluated: 2019-09-05. Review status: no assertion criteria provided. Collection method: clinical testing. Allele origin: germline. Not counted in ClinVar's aggregate classification.
Comment: This variant is classified as likely benign based on ACMG/AMP sequence variant interpretation guidelines (Richards et al. 2015 PMID: 25741868, with internal and published modifications).

NM_005685.4(GTF2IRD1):c.660C>T (p.Val220=)

Gene: GTF2IRD1 (GTF2I repeat domain containing 1; plus strand). Cytogenetic location: 7q11.23.
Variant type: single nucleotide variant.
Coding change: c.660C>T on transcript NM_005685.4 (MANE Select); coding-DNA position 660, C replaced by T.
Protein change: p.Val220=; no amino-acid change (valine 220 retained).
Molecular consequence: synonymous variant.
Genome position (GRCh38, 1-based): chr7:74,519,463, C>T. VCF-style: chr7-74519463-C-T. GRCh37 (hg19) VCF-style: chr7-73933793-C-T.
Other names: c.756C>T, p.Val252= (NM_001199207.2); c.660C>T, p.Val220= (NM_016328.3); c.756C>T (NM_001199207.1).
Identifiers: ClinVar variation 745769 (VCV000745769.30), dbSNP rs148463467, ClinGen allele CA4296586.